The following is an entry in ClinVar:

ClinVar aggregate classification (germline): Uncertain significance (1 of 4 stars; one submission).

gnomAD v4.1: 11 of 1,613,520 alleles (0.00068%); highest among the groups gnomAD compares: Admixed American, 0.0017%; no homozygotes.

Submission:

Labcorp Genetics (formerly Invitae), Labcorp
Classification: Uncertain significance. Last evaluated: 2025-12-08. Review status: criteria provided, single submitter. Criteria: Invitae Variant Classification Sherloc (09022015). Collection method: clinical testing. Allele origin: germline.
Comment: This sequence change replaces valine, which is neutral and non-polar, with leucine, which is neutral and non-polar, at codon 197 of the CLCN6 protein (p.Val197Leu). This variant is present in population databases (rs200586664, gnomAD 0.004%). This variant has not been reported in the literature in individuals affected with CLCN6-related conditions. ClinVar contains an entry for this variant (Variation ID: 1914351). An algorithm developed to predict the effect of missense changes on protein structure and function (PolyPhen-2) suggests that this variant is likely to be disruptive. In summary, the available evidence is currently insufficient to determine the role of this variant in disease. Therefore, it has been classified as a Variant of Uncertain Significance.

NM_001286.5(CLCN6):c.589G>T (p.Val197Leu)

Gene: CLCN6 (chloride voltage-gated channel 6; plus strand). Cytogenetic location: 1p36.22.
Variant type: single nucleotide variant.
Coding change: c.589G>T on transcript NM_001286.5 (MANE Select); coding-DNA position 589, G replaced by T.
Protein change: p.Val197Leu; replaces valine 197 with leucine.
Molecular consequence: missense variant. On other transcripts: non-coding transcript variant (1).
Genome position (GRCh38, 1-based): chr1:11,824,494, G>T. VCF-style: chr1-11824494-G-T. GRCh37 (hg19) VCF-style: chr1-11884551-G-T.
Other names: c.523G>T, p.Val175Leu (NM_001256959.2); short protein forms V175L, V197L.
Identifiers: ClinVar variation 1914351 (VCV001914351.5), dbSNP rs200586664, ClinGen allele CA596153.
Genomic context (GRCh38, chr1:11,824,494, plus strand): 5'-CCAGGGGCGTTTCTGCACTGACTGTTGGTCTTTCCTTTTTCACCCTGCCCAGGGCTCTTC[G>T]TGGAGAAGGAAGGCCCCATGATCCACAGTGGTTCGGTGGTGGGAGCTGGCCTCCCTCAGG-3'
Protein context (NP_001277.2, residues 187-207): VLFSVAGGLF[Val197Leu]EKEGPMIHSG